The following is an entry in ClinVar:

ClinVar aggregate classification (germline): Uncertain significance (1 of 4 stars; one submission).

Allele frequency attached by ClinVar (database versions not stated): gnomAD exomes 0.00001 and below 0.00001.
gnomAD v4.1: 2 of 1,550,402 alleles (0.00013%); highest among the groups gnomAD compares: Non-Finnish European, 0.00017%; no homozygotes.

Submission:

Laboratory for Molecular Medicine, Mass General Brigham Personalized Medicine
Classification: Uncertain significance. Last evaluated: 2017-07-05. Review status: criteria provided, single submitter. Criteria: LMM Criteria. Collection method: clinical testing. Allele origin: germline. Observed: 1 variant allele.
Comment: The c.*2C>T variant in CDH23 has not been previously reported in individuals wit h hearing loss or Usher syndrome, but has been identified in 1/58350 European c hromosomes by the Genome Aggregation Database (gnomAD). Although this variant has been seen in the general population, its fr equency is not high enough to rule out a pathogenic role. This variant is in th e 3'UTR, and the impact, if any, to the CDH23 gene is unknown. In summary, the c linical significance of this variant is uncertain.

NM_022124.6(CDH23):c.4104+44C>T

Genes: C10orf105 (chromosome 10 open reading frame 105; minus strand), CDH23 (cadherin related 23; plus strand). Cytogenetic location: 10q22.1.
Variant type: single nucleotide variant.
Coding change: c.4104+44C>T on transcript NM_022124.6 (MANE Select); 44 bases into the intron after coding-DNA position 4104, C replaced by T.
Molecular consequence: intron variant. On other transcripts: 3 prime UTR variant (1).
Genome position (GRCh38, 1-based): chr10:71,732,419, C>T. VCF-style: chr10-71732419-C-T. GRCh37 (hg19) VCF-style: chr10-73492176-C-T.
Other names: c.*2C>T (NM_001171930.2); c.-6+5309G>A (NM_001168390.2).
Identifiers: ClinVar variation 517452 (VCV000517452.5), dbSNP rs1483809141, ClinGen allele CA594705737.